The following is an entry in ClinVar:

ClinVar aggregate classification (germline): Conflicting classifications of pathogenicity. Review status: criteria provided, conflicting classifications (1 of 4 stars). 4 submissions from 4 submitters: Uncertain significance (2); Likely benign (1). 1 of the submissions does not count toward it. Last evaluated 2025-04-09.

Conditions:
Hereditary nonpolyposis colorectal neoplasms. Identifiers: MedGen C0009405, MeSH D003123.
Hereditary cancer-predisposing syndrome. Also called: Hereditary Cancer Syndrome; Hereditary neoplastic syndrome; Tumor predisposition; Neoplastic Syndromes, Hereditary. Identifiers: Orphanet 140162, MedGen C0027672, MeSH D009386, MONDO:0015356.

Allele frequency attached by ClinVar (database versions not stated): ExAC 0.00001; gnomAD 0.00001.

Submissions (4):

Labcorp Genetics (formerly Invitae), Labcorp
Classification: Uncertain significance for Hereditary nonpolyposis colorectal neoplasms. Last evaluated: 2025-04-09. Review status: criteria provided, single submitter. Criteria: Invitae Variant Classification Sherloc (09022015). Collection method: clinical testing. Allele origin: germline.
Comment: This sequence change replaces valine, which is neutral and non-polar, with methionine, which is neutral and non-polar, at codon 63 of the PMS2 protein (p.Val63Met). This variant is not present in population databases (gnomAD no frequency). This missense change has been observed in individual(s) with Lynch syndrome (PMID: 31845022). ClinVar contains an entry for this variant (Variation ID: 549723). Invitae Evidence Modeling incorporating data from in vitro experimental studies (internal data) indicates that this missense variant is not expected to disrupt PMS2 function with a negative predictive value of 95%. In summary, the available evidence is currently insufficient to determine the role of this variant in disease. Therefore, it has been classified as a Variant of Uncertain Significance.

Ambry Genetics
Classification: Likely benign for Hereditary cancer-predisposing syndrome. Last evaluated: 2024-08-14. Review status: criteria provided, single submitter. Criteria: Ambry Variant Classification Scheme 2023. Collection method: clinical testing. Allele origin: germline.

Color Diagnostics, LLC DBA Color Health
Classification: Uncertain significance for Hereditary cancer-predisposing syndrome. Last evaluated: 2019-06-13. Review status: criteria provided, single submitter. Criteria: ACMG Guidelines, 2015. Collection method: clinical testing. Allele origin: germline.

True Health Diagnostics
Classification: Likely benign for Hereditary cancer-predisposing syndrome. Last evaluated: 2017-11-16. Review status: no assertion criteria provided. Collection method: clinical testing. Allele origin: germline. Not counted in ClinVar's aggregate classification.

Literature cited by the submitters: PubMed 31845022 (cited by Labcorp Genetics (formerly Invitae), Labcorp and Ambry Genetics); PubMed 35451539 (cited by Ambry Genetics).

NM_000535.7(PMS2):c.187G>A (p.Val63Met)

Gene: PMS2 (PMS1 homolog 2, mismatch repair system component; minus strand). Cytogenetic location: 7p22.1.
Variant type: single nucleotide variant.
Coding change: c.187G>A on transcript NM_000535.7 (MANE Select); coding-DNA position 187, G replaced by A.
Protein change: p.Val63Met; replaces valine 63 with methionine.
Molecular consequence: missense variant. On other transcripts: 5 prime UTR variant (11), non-coding transcript variant (1).
Genome position (GRCh38, 1-based): chr7:6,004,035, C>T on the plus strand (G>A on the coding strand, the complement: PMS2 is on the minus strand). VCF-style: chr7-6004035-C-T. GRCh37 (hg19) VCF-style: chr7-6043666-C-T.
Other names: c.-219G>A (NM_001322003.2, NM_001322004.2, NM_001322005.2 and 3 more transcripts); c.187G>A, p.Val63Met (NM_001322006.2, NM_001322014.2); c.-29G>A (NM_001322007.2, NM_001322008.2); c.-698G>A (NM_001322011.2, NM_001322012.2); c.-298G>A (NM_001322015.2); short protein forms V63M.
Identifiers: ClinVar variation 549723 (VCV000549723.15), dbSNP rs772216832, ClinGen allele CA045743.
Genomic context (GRCh38, chr7:6,004,035, plus strand): 5'-AGCCTTCGAAGTTTTCTTCTTCTACCCCACATCCATTGTCTGAAACTTCAATAAGATCCA[C>T]TCCATAGTCCTTAAGCTTTAGATCTAGAAAGTTTAAAATATTTACATATTTATTAAAAAC-3'
Protein context (NP_000526.2, residues 53-73): NIDLKLKDYG[Val63Met]DLIEVSDNGC